The following is an entry in ClinVar:

NM_022455.5(NSD1):c.507C>T (p.Asp169=)

Gene: NSD1 (nuclear receptor binding SET domain protein 1; plus strand). Cytogenetic location: 5q35.3.
Variant type: single nucleotide variant.
Coding change: c.507C>T on transcript NM_022455.5 (MANE Select); coding-DNA position 507, C replaced by T.
Protein change: p.Asp169=; no amino-acid change (aspartic acid 169 retained).
Molecular consequence: synonymous variant. On other transcripts: intron variant (8).
Genome position (GRCh38, 1-based): chr5:177,135,610, C>T. VCF-style: chr5-177135610-C-T. GRCh37 (hg19) VCF-style: chr5-176562611-C-T.
Other names: c.507C>T, p.Asp169= (NM_001409301.1, NM_001409302.1, NM_001409303.1); c.417+90C>T (NM_001409304.1); c.-36-331C>T (NM_001409305.1, NM_001409306.1, NM_001409308.1 and 4 more transcripts).
Identifiers: ClinVar variation 507054 (VCV000507054.1), dbSNP rs201012228, ClinGen allele CA3576897.

ClinVar aggregate classification (germline): Likely benign (1 of 4 stars; one submission).

Allele frequency attached by ClinVar (database versions not stated): gnomAD exomes below 0.00001; ExAC 0.00001; gnomAD 0.00001; 1000 Genomes Project 0.00020; 1000 Genomes Project 30x 0.00031.
gnomAD v4.1: 1 of 1,614,162 alleles (0.000062%); highest among the groups gnomAD compares: African/African-American, 0.0013%; no homozygotes.

Submission:

GeneDx
Classification: Likely benign. Last evaluated: 2017-02-02. Review status: criteria provided, single submitter. Criteria: GeneDx Variant Classification (06012015). Collection method: clinical testing. Allele origin: germline. Affected: yes.
Comment: This variant is considered likely benign or benign based on one or more of the following criteria: it is a conservative change, it occurs at a poorly conserved position in the protein, it is predicted to be benign by multiple in silico algorithms, and/or has population frequency not consistent with disease.